The following is an entry in ClinVar:

NM_003001.5(SDHC):c.241+3A>G

Gene: SDHC (succinate dehydrogenase complex subunit C; plus strand). Cytogenetic location: 1q23.3.
Variant type: single nucleotide variant.
Coding change: c.241+3A>G on transcript NM_003001.5 (MANE Select); 3 bases into the intron after coding-DNA position 241, A replaced by G.
Molecular consequence: intron variant.
Genome position (GRCh38, 1-based): chr1:161,340,658, A>G. VCF-style: chr1-161340658-A-G. GRCh37 (hg19) VCF-style: chr1-161310448-A-G.
Other names: c.130+3A>G (NM_001407119.1, NM_001407120.1); c.361+3A>G (NM_001407115.1); c.241+3A>G (NM_001035511.3); c.139+3A>G (NM_001035512.3, NM_001278172.3); c.133+9A>G (NM_001407118.1); c.184+3A>G (NM_001407116.1, NM_001407121.1); c.178+9A>G (NM_001407117.1); c.82+3A>G (NM_001035513.3).
Identifiers: ClinVar variation 465966 (VCV000465966.12), dbSNP rs1413662099, ClinGen allele CA526862026.

ClinVar aggregate classification (germline): Conflicting classifications of pathogenicity. Review status: criteria provided, conflicting classifications (1 of 4 stars). 2 submissions from 2 submitters: Uncertain significance (1); Likely benign (1). Last evaluated 2025-11-04.

Conditions:
Pheochromocytoma/paraganglioma syndrome 3. Also called: SDHC-Related Hereditary Paraganglioma-Pheochromocytoma Syndrome (Paragangliomas 3); GLOMUS TUMORS, FAMILIAL, 3; SDHC-Related Hereditary Paraganglioma-Pheochromocytoma Syndrome; Paragangliomas 3. Identifiers: Orphanet 29072, MedGen C1854336, MONDO:0011544, OMIM 605373.
Gastrointestinal stromal tumor. Also called: Gastrointestinal stroma tumor; Gastrointestinal stromal tumor, somatic. Identifiers: Orphanet 44890, MedGen C0238198, MeSH D046152, MONDO:0011719, OMIM 606764, HP:0100723.
Hereditary cancer-predisposing syndrome. Also called: Tumor predisposition; Hereditary neoplastic syndrome; Neoplastic Syndromes, Hereditary; Hereditary Cancer Syndrome. Identifiers: Orphanet 140162, MedGen C0027672, MeSH D009386, MONDO:0015356.

Allele frequency attached by ClinVar (database versions not stated): gnomAD exomes below 0.00001.
gnomAD v4.1: 6 of 1,612,976 alleles (0.00037%); highest among the groups gnomAD compares: Non-Finnish European, 0.00051%; no homozygotes.

Submissions (2):

Ambry Genetics
Classification: Uncertain significance for Hereditary cancer-predisposing syndrome. Last evaluated: 2025-11-04. Review status: criteria provided, single submitter. Criteria: Ambry Variant Classification Scheme 2023. Collection method: clinical testing. Allele origin: germline.
Comment: The c.241+3A>G intronic variant results from an A to G substitution 3 nucleotides after coding exon 4 in the SDHC gene. This nucleotide position is well conserved in available vertebrate species. In silico splice site analysis predicts that this alteration will not have any significant effect on splicing. Since supporting evidence is limited at this time, the clinical significance of this alteration remains unclear.

Labcorp Genetics (formerly Invitae), Labcorp
Classification: Likely benign for Pheochromocytoma/paraganglioma syndrome 3; Gastrointestinal stromal tumor. Last evaluated: 2025-06-08. Review status: criteria provided, single submitter. Criteria: Invitae Variant Classification Sherloc (09022015). Collection method: clinical testing. Allele origin: germline.